The following is an entry in ClinVar:

NM_032129.3(PLEKHN1):c.528C>T (p.Ala176=)

Gene: PLEKHN1 (pleckstrin homology domain containing N1; plus strand). Cytogenetic location: 1p36.33.
Variant type: single nucleotide variant.
Coding change: c.528C>T on transcript NM_032129.3 (MANE Select); coding-DNA position 528, C replaced by T.
Protein change: p.Ala176=; no amino-acid change (alanine 176 retained).
Molecular consequence: synonymous variant.
Genome position (GRCh38, 1-based): chr1:970,922, C>T. VCF-style: chr1-970922-C-T. GRCh37 (hg19) VCF-style: chr1-906302-C-T.
Other names: c.528C>T, p.Ala176= (NM_001160184.2, NM_001367552.1); c.648C>T, p.Ala216= (NM_001410697.1).
Identifiers: ClinVar variation 2637980 (VCV002637980.24), dbSNP rs41300090, ClinGen allele CA506389.
Genomic context (GRCh38, chr1:970,922, plus strand): 5'-CTCTGCCCTGCCCGCAGGCCCACTGCCCGCACCCCTCCTGGTGCTCTGCCCCAGCCGGGC[C>T]GAGCTGGACCGCTGGCTTTACCACCTGGAGAAGCAGACGGCCCTCCTCGGGGGGCCGCGG-3'
Protein context (NP_115505.2, residues 166-186): APLLVLCPSR[Ala176=]ELDRWLYHLE

ClinVar aggregate classification (germline): Likely benign (1 of 4 stars; one submission).

Allele frequency attached by ClinVar (database versions not stated): 1000 Genomes Project 30x 0.00156; 1000 Genomes Project 0.00180; TOPMed 0.00413; ESP Exome Variant Server 0.00433; ExAC 0.00529.
gnomAD v4.1: 11,770 of 1,610,556 alleles (0.73%); highest among the groups gnomAD compares: Non-Finnish European, 0.88%; 63 homozygotes.

Submission:

CeGaT Center for Human Genetics Tuebingen
Classification: Likely benign. Last evaluated: 2022-12-01. Review status: criteria provided, single submitter. Criteria: CeGaT Center For Human Genetics Tuebingen Variant Classification Criteria Version 2. Collection method: clinical testing. Allele origin: germline. Affected: yes. Observed: 1 variant allele.
Comment: PLEKHN1: BP4, BP7, BS2